The following is an entry in ClinVar:

NM_001035.3(RYR2):c.11476+15C>T

Gene: RYR2 (ryanodine receptor 2; plus strand). Cytogenetic location: 1q43.
Variant type: single nucleotide variant.
Coding change: c.11476+15C>T on transcript NM_001035.3 (MANE Select); 15 bases into the intron after coding-DNA position 11476, C replaced by T.
Molecular consequence: intron variant.
Genome position (GRCh38, 1-based): chr1:237,761,043, C>T. VCF-style: chr1-237761043-C-T. GRCh37 (hg19) VCF-style: chr1-237924343-C-T.
Identifiers: ClinVar variation 43711 (VCV000043711.61), dbSNP rs192323827, ClinGen allele CA007044.

ClinVar aggregate classification (germline): Benign/Likely benign. Review status: criteria provided, multiple submitters, no conflicts (2 of 4 stars). 8 submissions from 7 submitters: Benign (6); Likely benign (2). Last evaluated 2026-02-01.

Conditions:
Catecholaminergic polymorphic ventricular tachycardia 1. Also called: VENTRICULAR TACHYCARDIA, CATECHOLAMINERGIC POLYMORPHIC, 1, WITH OR WITHOUT ATRIAL DYSFUNCTION AND/OR DILATED CARDIOMYOPATHY; VENTRICULAR TACHYCARDIA, STRESS-INDUCED POLYMORPHIC 1; RYR2-Related Catecholaminergic Polymorphic Ventricular Tachycardia. Identifiers: Orphanet 3286, MedGen C1631597, MONDO:0011484, OMIM 604772.
Arrhythmogenic right ventricular dysplasia 2. Identifiers: MedGen C1832931.

Allele frequency attached by ClinVar (database versions not stated): gnomAD exomes 0.00072; ExAC 0.00121; 1000 Genomes Project 0.00200; ESP Exome Variant Server 0.00251; gnomAD 0.00294 and 0.00312; 1000 Genomes Project 30x 0.00297; TOPMed 0.00307.
gnomAD v4.1: 812 of 1,481,710 alleles (0.055%); highest among the groups gnomAD compares: African/African-American, 1%; 9 homozygotes.

Submissions (8):

Labcorp Genetics (formerly Invitae), Labcorp
Classification: Benign for Catecholaminergic polymorphic ventricular tachycardia 1. Last evaluated: 2026-02-01. Review status: criteria provided, single submitter. Criteria: Invitae Variant Classification Sherloc (09022015). Collection method: clinical testing. Allele origin: germline.

ARUP Laboratories, Molecular Genetics and Genomics, ARUP Laboratories
Classification: Benign. Last evaluated: 2025-05-14. Review status: criteria provided, single submitter. Criteria: ARUP Molecular Germline Variant Investigation Process 2024. Collection method: clinical testing. Allele origin: germline.

Blueprint Genetics
Classification: Likely benign. Last evaluated: 2024-10-02. Review status: criteria provided, single submitter. Criteria: ACMG Guidelines, 2015. Collection method: clinical testing. Allele origin: germline.

Women's Health and Genetics/Laboratory Corporation of America, LabCorp
Classification: Benign. Last evaluated: 2021-03-15. Review status: criteria provided, single submitter. Criteria: LabCorp Variant Classification Summary - May 2015. Collection method: clinical testing. Allele origin: germline.
Comment: Variant summary: RYR2 c.11476+15C>T alters a non-conserved nucleotide located close to a canonical splice site and therefore could affect mRNA splicing, leading to a significantly altered protein sequence. 4/4 computational tools predict no significant impact on normal splicing. However, these predictions have yet to be confirmed by functional studies. The variant allele was found at a frequency of 0.001 in 205266 control chromosomes, predominantly at a frequency of 0.011 within the African or African-American subpopulation in the gnomAD database, including 6 homozygotes. The observed variant frequency within African or African-American control individuals in the gnomAD database is approximately 320 fold of the estimated maximal expected allele frequency for a pathogenic variant in RYR2 causing Catecholaminergic Polymorphic Ventricular Tachycardia phenotype (3.4e-05), strongly suggesting that the variant is a benign polymorphism found primarily in populations of African or African-American origin. To our knowledge, no occurrence of c.11476+15C>T in individuals affected with Catecholaminergic Polymorphic Ventricular Tachycardia and no experimental evidence demonstrating its impact on protein function have been reported. Two clinical diagnostic laboratories have submitted clinical-significance assessments for this variant to ClinVar after 2014 without evidence for independent evaluation. All laboratories classified the variant as benign/likely benign. Based on the evidence outlined above, the variant was classified as benign.

Illumina Laboratory Services, Illumina
Classification: Benign for Catecholaminergic polymorphic ventricular tachycardia 1. Last evaluated: 2018-01-12. Review status: criteria provided, single submitter. Criteria: ICSL Variant Classification Criteria 13 December 2019. Collection method: clinical testing. Allele origin: germline.
Comment: This variant was observed in the ICSL laboratory as part of a predisposition screen in an ostensibly healthy population. It had not been previously curated by ICSL or reported in the Human Gene Mutation Database (HGMD: prior to June 1st, 2018), and was therefore a candidate for classification through an automated scoring system. Utilizing variant allele frequency, disease prevalence and penetrance estimates, and inheritance mode, an automated score was calculated to assess if this variant is too frequent to cause the disease. Based on the score and internal cut-off values, a variant classified as benign is not then subjected to further curation. The score for this variant resulted in a classification of benign for this disease.

Illumina Laboratory Services, Illumina
Classification: Likely benign for Catecholaminergic polymorphic ventricular tachycardia 1. Last evaluated: 2018-01-12. Review status: criteria provided, single submitter. Criteria: ICSL Variant Classification Criteria 13 December 2019. Collection method: clinical testing. Allele origin: germline.
Comment: This variant was observed in the ICSL laboratory as part of a predisposition screen in an ostensibly healthy population. It had not been previously curated by ICSL or reported in the Human Gene Mutation Database (HGMD: prior to June 1st, 2018), and was therefore a candidate for classification through an automated scoring system. Utilizing variant allele frequency, disease prevalence and penetrance estimates, and inheritance mode, an automated score was calculated to assess if this variant is too frequent to cause the disease. Based on the score and internal cut-off values, a variant classified as likely benign is not then subjected to further curation. The score for this variant resulted in a classification of likely benign for this disease.

GeneDx
Classification: Benign. Last evaluated: 2014-03-13. Review status: criteria provided, single submitter. Criteria: GeneDx Variant Classification (06012015). Collection method: clinical testing. Allele origin: germline. Affected: yes.
Comment: This variant is considered likely benign or benign based on one or more of the following criteria: it is a conservative change, it occurs at a poorly conserved position in the protein, it is predicted to be benign by multiple in silico algorithms, and/or has population frequency not consistent with disease.

Laboratory for Molecular Medicine, Mass General Brigham Personalized Medicine
Classification: Benign. Last evaluated: 2012-03-19. Review status: criteria provided, single submitter. Criteria: LMM Criteria. Collection method: clinical testing. Allele origin: germline. Observed: 5 variant alleles.
Comment: c.11476+15C>T in Intron 84 of RYR2: This variant is not expected to have clinica l significance because it is not located within the splice consensus sequence an d has been identified in 0.8% (25/3076) of African American chromosomes from a b road population by the NHLBI Exome Sequencing Project (. edu/EVS;).